The following is an entry in ClinVar:

NM_001845.6(COL4A1):c.235-1G>C

Gene: COL4A1 (collagen type IV alpha 1 chain; minus strand). Cytogenetic location: 13q34.
Variant type: single nucleotide variant.
Coding change: c.235-1G>C on transcript NM_001845.6 (MANE Select); the canonical splice acceptor site of the intron before coding-DNA position 235, G replaced by C.
Molecular consequence: splice acceptor variant.
Genome position (GRCh38, 1-based): chr13:110,213,827, C>G on the plus strand (G>C on the coding strand, the complement: COL4A1 is on the minus strand). VCF-style: chr13-110213827-C-G. GRCh37 (hg19) VCF-style: chr13-110866174-C-G.
Other names: c.235-1G>C (NM_001303110.2).
Identifiers: ClinVar variation 4974780 (VCV004974780.1).

ClinVar aggregate classification (germline): Likely pathogenic (1 of 4 stars; one submission).

Conditions:
Retinal disorder. Also called: Retinopathy; Retinopathies; Retinal Diseases; Retinal disorders. Identifiers: MedGen C0035309, MONDO:0005283, HP:0000488.

Submission:

Genetics Laboratory, Great Ormond Street Hospital NHS Foundation Trust, North Thames Genomic Laboratory Hub
Classification: Likely pathogenic for Retinal disorders. Last evaluated: 2026-07-20. Review status: criteria provided, single submitter. Criteria: ACGS Best Practice Guidelines for Variant Classification in Rare Disease 2024 v1.2. Collection method: clinical testing. Allele origin: germline. Affected: yes.
Comment: PM2_moderate, PVS1_strong, PS2_moderate